The following is an entry in ClinVar:

NM_021620.4(PRDM13):c.13G>T (p.Ala5Ser)

Gene: PRDM13 (PR/SET domain 13; plus strand). Cytogenetic location: 6q16.2.
Variant type: single nucleotide variant.
Coding change: c.13G>T on transcript NM_021620.4 (MANE Select); coding-DNA position 13, G replaced by T.
Protein change: p.Ala5Ser; replaces alanine 5 with serine.
Molecular consequence: missense variant.
Genome position (GRCh38, 1-based): chr6:99,607,047, G>T. VCF-style: chr6-99607047-G-T. GRCh37 (hg19) VCF-style: chr6-100054923-G-T.
Other names: c.13G>T (NM_021620.3); short protein forms A5S.
Identifiers: ClinVar variation 1423878 (VCV001423878.9), dbSNP rs751662673, ClinGen allele CA143971338.

ClinVar aggregate classification (germline): Uncertain significance. Review status: criteria provided, multiple submitters, no conflicts (2 of 4 stars). 2 submissions from 2 submitters: Uncertain significance (2). Last evaluated 2025-05-07.

Conditions:
Inborn genetic diseases. Identifiers: MedGen C0950123, MeSH D030342.

Allele frequency attached by ClinVar (database versions not stated): gnomAD 0.00001.
gnomAD v4.1: 5 of 1,610,698 alleles (0.00031%); highest among the groups gnomAD compares: African/African-American, 0.004%; no homozygotes.

Submissions (2):

Ambry Genetics
Classification: Uncertain significance for Inborn genetic diseases. Last evaluated: 2025-05-07. Review status: criteria provided, single submitter. Criteria: Ambry Variant Classification Scheme 2023. Collection method: clinical testing. Allele origin: germline.

Labcorp Genetics (formerly Invitae), Labcorp
Classification: Uncertain significance. Last evaluated: 2025-04-01. Review status: criteria provided, single submitter. Criteria: Invitae Variant Classification Sherloc (09022015). Collection method: clinical testing. Allele origin: germline.
Comment: This sequence change replaces alanine, which is neutral and non-polar, with serine, which is neutral and polar, at codon 5 of the PRDM13 protein (p.Ala5Ser). This variant is present in population databases (no rsID available, gnomAD 0.009%). This variant has not been reported in the literature in individuals affected with PRDM13-related conditions. ClinVar contains an entry for this variant (Variation ID: 1423878). An algorithm developed to predict the effect of missense changes on protein structure and function outputs the following: PolyPhen-2: "Benign". The serine amino acid residue is found in multiple mammalian species, which suggests that this missense change does not adversely affect protein function. In summary, the available evidence is currently insufficient to determine the role of this variant in disease. Therefore, it has been classified as a Variant of Uncertain Significance.